The following is an entry in ClinVar:

ClinVar aggregate classification (germline): Uncertain significance. Review status: criteria provided, multiple submitters, no conflicts (2 of 4 stars). 3 submissions from 3 submitters: Uncertain significance (3). Last evaluated 2023-12-04.

Conditions:
Arrhythmogenic right ventricular dysplasia 2. Identifiers: MedGen C1832931.
Catecholaminergic polymorphic ventricular tachycardia 1. Also called: VENTRICULAR TACHYCARDIA, CATECHOLAMINERGIC POLYMORPHIC, 1, WITH OR WITHOUT ATRIAL DYSFUNCTION AND/OR DILATED CARDIOMYOPATHY; VENTRICULAR TACHYCARDIA, STRESS-INDUCED POLYMORPHIC 1; RYR2-Related Catecholaminergic Polymorphic Ventricular Tachycardia. Identifiers: Orphanet 3286, MedGen C1631597, MONDO:0011484, OMIM 604772.
Cardiomyopathy (CMYO). Also called: Cardiomyopathies. Identifiers: Orphanet 167848, MedGen C0878544, MONDO:0004994, HP:0001638. Inheritance: Various modes of inheritance.

Submissions (3):

Color Diagnostics, LLC DBA Color Health
Classification: Uncertain significance for Cardiomyopathy. Last evaluated: 2023-12-04. Review status: criteria provided, single submitter. Criteria: ACMG Guidelines, 2015. Collection method: clinical testing. Allele origin: germline.
Comment: This missense variant replaces arginine with asparagine at codon 4683 of the RYR2 protein. To our knowledge, functional studies have not been reported for this variant. This variant has not been reported in individuals affected with RYR2-related disorders in the literature. This variant has not been identified in the general population by the Genome Aggregation Database (gnomAD). The available evidence is insufficient to determine the role of this variant in disease conclusively. Therefore, this variant is classified as a Variant of Uncertain Significance.

Labcorp Genetics (formerly Invitae), Labcorp
Classification: Uncertain significance for Catecholaminergic polymorphic ventricular tachycardia 1. Last evaluated: 2021-02-02. Review status: criteria provided, single submitter. Criteria: Invitae Variant Classification Sherloc (09022015). Collection method: clinical testing. Allele origin: germline.
Comment: This sequence change replaces arginine with asparagine at codon 4683 of the RYR2 protein (p.Arg4683Asn). This variant is not present in population databases (ExAC no frequency). This variant has not been reported in the literature in individuals with RYR2-related disease. Algorithms developed to predict the effect of missense changes on protein structure and function do not agree on the potential impact of this missense change (SIFT: "Deleterious"; PolyPhen-2: "Benign"; Align-GVGD: "Class C0"). In summary, the available evidence is currently insufficient to determine the role of this variant in disease. Therefore, it has been classified as a Variant of Uncertain Significance.

Fulgent Genetics
Classification: Uncertain significance for Catecholaminergic polymorphic ventricular tachycardia 1. Last evaluated: 2018-10-31. Review status: criteria provided, single submitter. Criteria: ACMG Guidelines, 2015. Collection method: clinical testing. Allele origin: unknown.

NM_001035.3(RYR2):c.14048_14049delinsAT (p.Arg4683Asn)

Gene: RYR2 (ryanodine receptor 2; plus strand). Cytogenetic location: 1q43.
Variant type: Indel.
Coding change: c.14048_14049delinsAT on transcript NM_001035.3 (MANE Select); coding-DNA positions 14048 to 14049, GA replaced by AT.
Protein change: p.Arg4683Asn; replaces arginine 4683 with asparagine.
Molecular consequence: missense variant.
Genome position (GRCh38, 1-based): chr1:237,798,128-237,798,129, GA replaced by AT. VCF-style: chr1-237798128-GA-AT. GRCh37 (hg19) VCF-style: chr1-237961428-GA-AT.
Other names: c.14048_14049delinsAT, p.Arg4683Asn (LRG_402t1); c.14048_14049delinsAT (NM_001035.2); short protein forms R4683N.
Identifiers: ClinVar variation 577789 (VCV000577789.14), dbSNP rs1558439258, ClinGen allele CA891842947.
Genomic context (GRCh38, chr1:237,798,128, plus strand): 5'-GAGACAGAATCAGTGAATTACTTGGCATGGACAAGGCAGCTCTGGACTTCAGTGATGCCA[GA>AT]GAAAAGAAGAAGCCAAAGAAAGACAGCTCCTTATCAGCTGTGTAAGTGTTACTTCGGCTC-3'
Protein context (NP_001026.2, residues 4673-4693): DKAALDFSDA[Arg4683Asn]EKKKPKKDSS